The following is an entry in ClinVar:

NM_017999.5(RNF31):c.1166G>A (p.Arg389Gln)

Gene: RNF31 (ring finger protein 31; plus strand). Cytogenetic location: 14q12.
Variant type: single nucleotide variant.
Coding change: c.1166G>A on transcript NM_017999.5 (MANE Select); coding-DNA position 1166, G replaced by A.
Protein change: p.Arg389Gln; replaces arginine 389 with glutamine.
Molecular consequence: missense variant.
Genome position (GRCh38, 1-based): chr14:24,150,417, G>A. VCF-style: chr14-24150417-G-A. GRCh37 (hg19) VCF-style: chr14-24619626-G-A.
Other names: c.713G>A, p.Arg238Gln (NM_001310332.2); short protein forms R238Q, R389Q.
Identifiers: ClinVar variation 1514812 (VCV001514812.8), dbSNP rs757810030, ClinGen allele CA7125702.
Genomic context (GRCh38, chr14:24,150,417, plus strand): 5'-TATGTTCCATATGTGAGCGACCTCGGCTGGCCCAGCCTCCCAGCTTGGTGGTGGATTCCC[G>A]AGATGCTGGCATTTGCCTGCAACCCCTTCAGGTAACTGGCCTTCCCAGCTCTTTATCGTG-3'
Protein context (NP_060469.4, residues 379-399): AQPPSLVVDS[Arg389Gln]DAGICLQPLQ

ClinVar aggregate classification (germline): Uncertain significance (1 of 4 stars; one submission).

Allele frequency attached by ClinVar (database versions not stated): gnomAD 0.00001; ExAC 0.00003; gnomAD exomes 0.00003.

Submission:

Labcorp Genetics (formerly Invitae), Labcorp
Classification: Uncertain significance. Last evaluated: 2024-09-28. Review status: criteria provided, single submitter. Criteria: Invitae Variant Classification Sherloc (09022015). Collection method: clinical testing. Allele origin: germline.
Comment: This sequence change replaces arginine, which is basic and polar, with glutamine, which is neutral and polar, at codon 389 of the RNF31 protein (p.Arg389Gln). This variant is present in population databases (rs757810030, gnomAD 0.02%). This variant has not been reported in the literature in individuals affected with RNF31-related conditions. ClinVar contains an entry for this variant (Variation ID: 1514812). An algorithm developed to predict the effect of missense changes on protein structure and function outputs the following: PolyPhen-2: "Benign". The glutamine amino acid residue is found in multiple mammalian species, which suggests that this missense change does not adversely affect protein function. In summary, the available evidence is currently insufficient to determine the role of this variant in disease. Therefore, it has been classified as a Variant of Uncertain Significance.